The following is an entry in ClinVar:

NM_004304.5(ALK):c.3316A>C (p.Ser1106Arg)

Gene: ALK (ALK receptor tyrosine kinase; minus strand). Cytogenetic location: 2p23.2.
Variant type: single nucleotide variant.
Coding change: c.3316A>C on transcript NM_004304.5 (MANE Select); coding-DNA position 3316, A replaced by C.
Protein change: p.Ser1106Arg; replaces serine 1106 with arginine.
Molecular consequence: missense variant.
Genome position (GRCh38, 1-based): chr2:29,223,385, T>G on the plus strand (A>C on the coding strand, the complement: ALK is on the minus strand). VCF-style: chr2-29223385-T-G. GRCh37 (hg19) VCF-style: chr2-29446251-T-G.
Other names: c.3316A>C (NM_004304.4); c.112A>C, p.Ser38Arg (NM_001353765.2); short protein forms S1106R, S38R.
Identifiers: ClinVar variation 2996149 (VCV002996149.4), dbSNP rs1669860579, ClinGen allele CA346464748.

ClinVar aggregate classification (germline): Uncertain significance. Review status: criteria provided, multiple submitters, no conflicts (2 of 4 stars). 2 submissions from 2 submitters: Uncertain significance (2). Last evaluated 2024-06-28.

Conditions:
Hereditary cancer-predisposing syndrome. Also called: Hereditary Cancer Syndrome; Hereditary neoplastic syndrome; Neoplastic Syndromes, Hereditary; Tumor predisposition. Identifiers: Orphanet 140162, MedGen C0027672, MeSH D009386, MONDO:0015356.
Neuroblastoma, susceptibility to, 3. Also called: ALK-Related Neuroblastic Tumor Susceptibility. Identifiers: Orphanet 635, MedGen C2751681, MONDO:0013083, OMIM 613014.

Allele frequency attached by ClinVar (database versions not stated): TOPMed below 0.00001; gnomAD 0.00001.
gnomAD v4.1: 6 of 1,614,060 alleles (0.00037%); highest among the groups gnomAD compares: Non-Finnish European, 0.00051%; no homozygotes.

Submissions (2):

Ambry Genetics
Classification: Uncertain significance for Hereditary cancer-predisposing syndrome. Last evaluated: 2024-06-28. Review status: criteria provided, single submitter. Criteria: Ambry Variant Classification Scheme 2023. Collection method: clinical testing. Allele origin: germline.
Comment: The p.S1106R variant (also known as c.3316A>C), located in coding exon 20 of the ALK gene, results from an A to C substitution at nucleotide position 3316. The serine at codon 1106 is replaced by arginine, an amino acid with dissimilar properties. This amino acid position is conserved. In addition, this alteration is predicted to be deleterious by in silico analysis. Based on the available evidence, the clinical significance of this variant remains unclear.

Labcorp Genetics (formerly Invitae), Labcorp
Classification: Uncertain significance for Neuroblastoma, susceptibility to, 3. Last evaluated: 2023-05-08. Review status: criteria provided, single submitter. Criteria: Invitae Variant Classification Sherloc (09022015). Collection method: clinical testing. Allele origin: germline.
Comment: This sequence change replaces serine, which is neutral and polar, with arginine, which is basic and polar, at codon 1106 of the ALK protein (p.Ser1106Arg). This variant is not present in population databases (gnomAD no frequency). This variant has not been reported in the literature in individuals affected with ALK-related conditions. An algorithm developed to predict the effect of missense changes on protein structure and function (PolyPhen-2) suggests that this variant is likely to be disruptive. In summary, the available evidence is currently insufficient to determine the role of this variant in disease. Therefore, it has been classified as a Variant of Uncertain Significance.